The following is an entry in ClinVar:

ClinVar aggregate classification (germline): Uncertain significance (1 of 4 stars; one submission).

gnomAD v4.1: 7 of 1,613,644 alleles (0.00043%); highest among the groups gnomAD compares: Admixed American, 0.0017%; no homozygotes.

Submission:

Labcorp Genetics (formerly Invitae), Labcorp
Classification: Uncertain significance. Last evaluated: 2025-12-23. Review status: criteria provided, single submitter. Criteria: Invitae Variant Classification Sherloc (09022015). Collection method: clinical testing. Allele origin: germline.
Comment: This sequence change replaces serine, which is neutral and polar, with glycine, which is neutral and non-polar, at codon 769 of the NUP133 protein (p.Ser769Gly). This variant is present in population databases (rs774732278, gnomAD 0.003%). This variant has not been reported in the literature in individuals affected with NUP133-related conditions. An algorithm developed to predict the effect of missense changes on protein structure and function outputs the following: PolyPhen-2: "Probably Damaging". The glycine amino acid residue is found in multiple mammalian species, which suggests that this missense change does not adversely affect protein function. In summary, the available evidence is currently insufficient to determine the role of this variant in disease. Therefore, it has been classified as a Variant of Uncertain Significance.

NM_018230.3(NUP133):c.2305A>G (p.Ser769Gly)

Gene: NUP133 (nucleoporin 133; minus strand). Cytogenetic location: 1q42.13.
Variant type: single nucleotide variant.
Coding change: c.2305A>G on transcript NM_018230.3 (MANE Select); coding-DNA position 2305, A replaced by G.
Protein change: p.Ser769Gly; replaces serine 769 with glycine.
Molecular consequence: missense variant.
Genome position (GRCh38, 1-based): chr1:229,464,870, T>C on the plus strand (A>G on the coding strand, the complement: NUP133 is on the minus strand). VCF-style: chr1-229464870-T-C. GRCh37 (hg19) VCF-style: chr1-229600617-T-C.
Other names: short protein forms S769G.
Identifiers: ClinVar variation 4692065 (VCV004692065.1).